The following is an entry in ClinVar:

ClinVar aggregate classification (germline): Uncertain significance. Review status: criteria provided, multiple submitters, no conflicts (2 of 4 stars). 4 submissions from 4 submitters: Uncertain significance (3). 1 of the submissions does not count toward it. Last evaluated 2023-03-10.

Conditions:
Nemaline myopathy 2 (NEM2). Also called: Nemaline myopathy 2, autosomal recessive. Identifiers: MedGen C1850569, MONDO:0009725, OMIM 256030.

Submissions (4):

Revvity Omics, Revvity
Classification: Uncertain significance. Last evaluated: 2023-03-10. Review status: criteria provided, single submitter. Criteria: ACMG Guidelines, 2015. Collection method: clinical testing. Allele origin: germline.

GeneDx
Classification: Uncertain significance. Last evaluated: 2022-03-28. Review status: criteria provided, single submitter. Criteria: GeneDx Variant Classification Process June 2021. Collection method: clinical testing. Allele origin: germline. Affected: yes.
Comment: Not observed at significant frequency in large population cohorts (gnomAD); In-frame deletion of 1 amino acid in a non-repeat region; In silico analysis supports a deleterious effect on protein structure/function; Has not been previously published as pathogenic or benign to our knowledge

Labcorp Genetics (formerly Invitae), Labcorp
Classification: Uncertain significance for Nemaline myopathy 2. Last evaluated: 2022-03-08. Review status: criteria provided, single submitter. Criteria: Invitae Variant Classification Sherloc (09022015). Collection method: clinical testing. Allele origin: germline.
Comment: This variant, c.22816_22818del, results in the deletion of 1 amino acid(s) of the NEB protein (p.Lys7606del), but otherwise preserves the integrity of the reading frame. This variant is present in population databases (rs760161843, gnomAD 0.007%). This variant has not been reported in the literature in individuals affected with NEB-related conditions. ClinVar contains an entry for this variant (Variation ID: 550744). Algorithms developed to predict the effect of sequence changes on RNA splicing suggest that this variant may create or strengthen a splice site. In summary, the available evidence is currently insufficient to determine the role of this variant in disease. Therefore, it has been classified as a Variant of Uncertain Significance.

Counsyl
Classification: Uncertain significance for Nemaline myopathy 2. Last evaluated: 2017-02-14. Review status: no assertion criteria provided. Collection method: clinical testing. Allele origin: unknown. Not counted in ClinVar's aggregate classification.

NM_001164508.2(NEB):c.22705AAG[2] (p.Lys7571del)

Genes: NEB (nebulin; minus strand), RIF1 (replication timing regulatory factor 1; plus strand). Cytogenetic location: 2q23.3.
Variant type: Microsatellite.
Coding change: c.22705AAG[2] on transcript NM_001164508.2 (MANE Select); two copies in a row of the 3-base unit AAG starting at c.22705; the reference has three copies in a row; one copy, 3 bases deleted.
Protein change: p.Lys7571del; deletes lysine 7571.
Molecular consequence: inframe deletion.
Genome position (GRCh38, 1-based): chr2:151,518,405-151,518,407, CTT deleted on the plus strand (AAG on the coding strand, the reverse complement: NEB is on the minus strand); deleting any 3 consecutive bases within chr2:151,518,405-151,518,413 gives the same sequence; the position shown is the placement nearest the transcript's 3' end. VCF-style (leftmost placement, unchanged base first): chr2-151518404-ACTT-A. GRCh37 (hg19) VCF-style: chr2-152374918-ACTT-A.
Other names: c.22816_22818delAAG (NM_001271208.1); c.22705AAG[2], p.Lys7571del (NM_001164507.2); c.22810AAG[2], p.Lys7606del (NM_001271208.2); c.17602AAG[2], p.Lys5870del (NM_004543.5); short protein forms K7606del, K5870del, K7571del.
Identifiers: ClinVar variation 550744 (VCV000550744.7), dbSNP rs760161843, ClinGen allele CA1906551.